The following is an entry in ClinVar:

NM_001379110.1(SLC9A6):c.1024C>T (p.Gln342Ter)

Gene: SLC9A6 (solute carrier family 9 member A6; plus strand). Cytogenetic location: Xq26.3.
Variant type: single nucleotide variant.
Coding change: c.1024C>T on transcript NM_001379110.1 (MANE Select); coding-DNA position 1024, C replaced by T.
Protein change: p.Gln342Ter; replaces glutamine 342 with a stop codon.
Molecular consequence: nonsense.
Genome position (GRCh38, 1-based): chrX:136,013,381, C>T. VCF-style: chrX-136013381-C-T. GRCh37 (hg19) VCF-style: chrX-135095540-C-T.
Other names: c.1180C>T, p.Gln394Ter (NM_001042537.2, NM_001438742.1); c.1024C>T, p.Gln342Ter (NM_001177651.2, NM_001400909.1, NM_001400910.1 and 2 more transcripts); c.928C>T, p.Gln310Ter (NM_001330652.2, NM_001400913.1); c.1084C>T, p.Gln362Ter (NM_006359.3); short protein forms Q342*, Q362*, Q394*, Q310*.
Identifiers: ClinVar variation 4718007 (VCV004718007.1).
Genomic context (GRCh38, chrX:136,013,381, plus strand): 5'-GTGAACTTGGAATTTGTTGTCTTTATAGGTGTAGTTGCAGTATTGTTTTGTGGCATCACA[C>T]AAGCACATTATACGTATAATAATTTGTCCACGGAGTCTCAGCATAGAACTAAACAGGTAA-3'

ClinVar aggregate classification (germline): Pathogenic (1 of 4 stars; one submission).

Conditions:
Christianson syndrome (MRXSCH). Also called: SLC9A6-Related Syndromic Mental Retardation; X-linked mental retardation, syndromic, Christianson type; INTELLECTUAL DEVELOPMENTAL DISORDER, X-LINKED, SYNDROMIC, CHRISTIANSON TYPE. Identifiers: Orphanet 85278, MedGen C2678194, MONDO:0010278, OMIM 300243.

Submission:

Labcorp Genetics (formerly Invitae), Labcorp
Classification: Pathogenic for Christianson syndrome. Last evaluated: 2025-08-02. Review status: criteria provided, single submitter. Criteria: Invitae Variant Classification Sherloc (09022015). Collection method: clinical testing. Allele origin: germline.
Comment: This sequence change creates a premature translational stop signal (p.Gln362*) in the SLC9A6 gene. It is expected to result in an absent or disrupted protein product. Loss-of-function variants in SLC9A6 are known to be pathogenic (PMID: 18342287). This variant is not present in population databases (gnomAD no frequency). This variant has not been reported in the literature in individuals affected with SLC9A6-related conditions. Algorithms developed to predict the effect of sequence changes on RNA splicing suggest that this variant may disrupt the consensus splice site. For these reasons, this variant has been classified as Pathogenic.

Literature cited by the submitters: PubMed 18342287.